The following is an entry in ClinVar:

NM_004336.5(BUB1):c.1076C>T (p.Pro359Leu)

Gene: BUB1 (BUB1 mitotic checkpoint serine/threonine kinase; minus strand). Cytogenetic location: 2q13.
Variant type: single nucleotide variant.
Coding change: c.1076C>T on transcript NM_004336.5 (MANE Select); coding-DNA position 1076, C replaced by T.
Protein change: p.Pro359Leu; replaces proline 359 with leucine.
Molecular consequence: missense variant.
Genome position (GRCh38, 1-based): chr2:110,661,723, G>A on the plus strand (C>T on the coding strand, the complement: BUB1 is on the minus strand). VCF-style: chr2-110661723-G-A. GRCh37 (hg19) VCF-style: chr2-111419300-G-A.
Other names: c.1016C>T, p.Pro339Leu (NM_001278616.2); c.1076C>T, p.Pro359Leu (NM_001278617.2); short protein forms P339L, P359L.
Identifiers: ClinVar variation 1784930 (VCV001784930.2), dbSNP rs1443564848, ClinGen allele CA348214459.

ClinVar aggregate classification (germline): Uncertain significance (1 of 4 stars; one submission).

Submission:

Ambry Genetics
Classification: Uncertain significance. Last evaluated: 2021-10-27. Review status: criteria provided, single submitter. Criteria: Ambry Variant Classification Scheme 2023. Collection method: clinical testing. Allele origin: germline.
Comment: The p.P359L variant (also known as c.1076C>T), located in coding exon 10 of the BUB1 gene, results from a C to T substitution at nucleotide position 1076. The proline at codon 359 is replaced by leucine, an amino acid with similar properties. This amino acid position is conserved. In addition, this alteration is predicted to be tolerated by in silico analysis. Since supporting evidence is limited at this time, the clinical significance of this alteration remains unclear.